The following is an entry in ClinVar:

ClinVar aggregate classification (germline): Conflicting classifications of pathogenicity. Review status: criteria provided, conflicting classifications (1 of 4 stars). 3 submissions from 3 submitters: Uncertain significance (2); Likely benign (1). Last evaluated 2025-11-10.

Conditions:
Hereditary cancer-predisposing syndrome. Also called: Tumor predisposition; Hereditary neoplastic syndrome; Neoplastic Syndromes, Hereditary; Hereditary Cancer Syndrome. Identifiers: Orphanet 140162, MedGen C0027672, MeSH D009386, MONDO:0015356.
Hereditary breast ovarian cancer syndrome. Also called: BRCA1- and BRCA2-Associated Hereditary Breast and Ovarian Cancer; Hereditary breast and ovarian cancer; Hereditary breast and/or ovarian cancer syndrome; Hereditary breast and ovarian cancer syndrome; Hereditary breast and ovarian cancer syndrome (HBOC); Breast and ovarian cancer. Identifiers: Orphanet 145, MedGen C0677776, MeSH D061325, MONDO:0003582. Disease mechanism: loss of function.

Submissions (3):

Labcorp Genetics (formerly Invitae), Labcorp
Classification: Uncertain significance for Hereditary breast ovarian cancer syndrome. Last evaluated: 2025-11-10. Review status: criteria provided, single submitter. Criteria: Invitae Variant Classification Sherloc (09022015). Collection method: clinical testing. Allele origin: germline.
Comment: This sequence change replaces arginine, which is basic and polar, with lysine, which is basic and polar, at codon 507 of the BRCA1 protein (p.Arg507Lys). This variant is not present in population databases (gnomAD no frequency). This variant has not been reported in the literature in individuals affected with BRCA1-related conditions. ClinVar contains an entry for this variant (Variation ID: 1498293). Invitae Evidence Modeling of protein sequence and biophysical properties (such as structural, functional, and spatial information, amino acid conservation, physicochemical variation, residue mobility, and thermodynamic stability) indicates that this missense variant is not expected to disrupt BRCA1 protein function with a negative predictive value of 80%. In summary, the available evidence is currently insufficient to determine the role of this variant in disease. Therefore, it has been classified as a Variant of Uncertain Significance.

Ambry Genetics
Classification: Uncertain significance for Hereditary cancer-predisposing syndrome. Last evaluated: 2024-02-26. Review status: criteria provided, single submitter. Criteria: Ambry Variant Classification Scheme 2023. Collection method: clinical testing. Allele origin: germline.
Comment: The p.R507K variant (also known as c.1520G>A), located in coding exon 9 of the BRCA1 gene, results from a G to A substitution at nucleotide position 1520. The arginine at codon 507 is replaced by lysine, an amino acid with highly similar properties. This amino acid position is well conserved in available vertebrate species. In addition, the in silico prediction for this alteration is inconclusive. Based on the available evidence, the clinical significance of this alteration remains unclear.

University of Washington Department of Laboratory Medicine, University of Washington
Classification: Likely benign for Hereditary cancer-predisposing syndrome. Last evaluated: 2023-03-23. Review status: criteria provided, single submitter. Criteria: Dines et al. (Genet Med. 2020). Collection method: curation. Allele origin: germline.
Comment: Missense variant in a coldspot region where missense variants are very unlikely to be pathogenic (PMID:31911673).

BRCA1 coldspot (exon 11 using historical exon numbering). Reclassification based on statistical prior probability

NM_007294.4(BRCA1):c.1520G>A (p.Arg507Lys)

Gene: BRCA1 (BRCA1 DNA repair associated; minus strand). Cytogenetic location: 17q21.31.
Variant type: single nucleotide variant.
Coding change: c.1520G>A on transcript NM_007294.4 (MANE Select); coding-DNA position 1520, G replaced by A.
Protein change: p.Arg507Lys; replaces arginine 507 with lysine.
Molecular consequence: missense variant. On other transcripts: intron variant (137).
Genome position (GRCh38, 1-based): chr17:43,094,011, C>T on the plus strand (G>A on the coding strand, the complement: BRCA1 is on the minus strand). VCF-style: chr17-43094011-C-T. GRCh37 (hg19) VCF-style: chr17-41246028-C-T.
Other names: c.1016G>A, p.Arg339Lys (NM_001407965.1); c.632G>A, p.Arg211Lys (NM_001407966.1, NM_001407967.1); c.1379G>A, p.Arg460Lys (NM_007297.4, NM_001407697.1, NM_001407698.1 and 29 more transcripts); c.1520G>A, p.Arg507Lys (NM_007300.4, NM_001407617.1, NM_001407618.1 and 30 more transcripts); c.646+733G>A (NM_001408458.1, NM_001408469.1, NM_001408453.1 and 11 more transcripts); c.283+733G>A (NM_001408512.1); c.406+733G>A (NM_001408510.1); c.643+733G>A (NM_001408470.1, NM_001408464.1, NM_001408468.1 and 3 more transcripts); and 40 more; short protein forms R460K, R507K, R380K, R419K, R459K, R466K, R480K, R481K.
Identifiers: ClinVar variation 1498293 (VCV001498293.12), dbSNP rs80357224, ClinGen allele CA10599007.
Genomic context (GRCh38, chr17:43,094,011, plus strand): 5'-TTTTGAACTGCCAAATCTGCTTTCTTGATAAAATCCTCAGGATGAAGGCCTGATGTAGGT[C>T]TCCTTTTACGCTTTAATTTATTTGTGAGGGGACGCTCTTGTATTATCTGTGGCTCAGTAA-3'
Protein context (NP_009225.1, residues 497-517): PLTNKLKRKR[Arg507Lys]PTSGLHPEDF